The following is an entry in ClinVar:

ClinVar aggregate classification (germline): Uncertain significance (1 of 4 stars; one submission).

Conditions:
Hereditary cancer-predisposing syndrome. Also called: Tumor predisposition; Neoplastic Syndromes, Hereditary; Hereditary Cancer Syndrome; Hereditary neoplastic syndrome. Identifiers: Orphanet 140162, MedGen C0027672, MeSH D009386, MONDO:0015356.

Submission:

Ambry Genetics
Classification: Uncertain significance for Hereditary cancer-predisposing syndrome. Last evaluated: 2019-09-25. Review status: criteria provided, single submitter. Criteria: Ambry Variant Classification Scheme 2023. Collection method: clinical testing. Allele origin: germline.
Comment: The p.A2635V variant (also known as c.7904C>T), located in coding exon 52 of the ATM gene, results from a C to T substitution at nucleotide position 7904. The alanine at codon 2635 is replaced by valine, an amino acid with similar properties. This amino acid position is highly conserved in available vertebrate species. In addition, the in silico prediction for this alteration is inconclusive. Since supporting evidence is limited at this time, the clinical significance of this alteration remains unclear.

NM_000051.4(ATM):c.7904C>T (p.Ala2635Val)

Genes: ATM (ATM serine/threonine kinase; plus strand), C11orf65 (chromosome 11 open reading frame 65; minus strand). Cytogenetic location: 11q22.3.
Variant type: single nucleotide variant.
Coding change: c.7904C>T on transcript NM_000051.4 (MANE Select); coding-DNA position 7904, C replaced by T.
Protein change: p.Ala2635Val; replaces alanine 2635 with valine.
Molecular consequence: missense variant. On other transcripts: intron variant (2).
Genome position (GRCh38, 1-based): chr11:108,332,877, C>T. VCF-style: chr11-108332877-C-T. GRCh37 (hg19) VCF-style: chr11-108203604-C-T.
Other names: c.7904C>T, p.Ala2635Val (NM_001351834.2); c.641-23806G>A (NM_001330368.2); c.*38+2343G>A (NM_001351110.2); short protein forms A2635V.
Identifiers: ClinVar variation 827323 (VCV000827323.6), dbSNP rs754002355, ClinGen allele CA382561484.